The following is an entry in ClinVar:

NM_017709.4(TENT5C):c.46G>A (p.Val16Met)

Gene: TENT5C (terminal nucleotidyltransferase 5C; plus strand). Cytogenetic location: 1p12.
Variant type: single nucleotide variant.
Coding change: c.46G>A on transcript NM_017709.4 (MANE Select); coding-DNA position 46, G replaced by A.
Protein change: p.Val16Met; replaces valine 16 with methionine.
Molecular consequence: missense variant.
Genome position (GRCh38, 1-based): chr1:117,622,914, G>A. VCF-style: chr1-117622914-G-A. GRCh37 (hg19) VCF-style: chr1-118165536-G-A.
Other names: short protein forms V16M.
Identifiers: ClinVar variation 134232 (VCV000134232.1), dbSNP rs34495780, ClinGen allele CA159215.

ClinVar aggregate classification (germline): not provided (0 of 4 stars; one submission).

Allele frequency attached by ClinVar (database versions not stated): ExAC 0.00004; gnomAD exomes 0.00005 and 0.00011; TOPMed 0.00006; gnomAD 0.00007 and 0.00008; ESP Exome Variant Server 0.00023.
gnomAD v4.1: 170 of 1,613,870 alleles (0.011%); highest among the groups gnomAD compares: Non-Finnish European, 0.013%; 1 homozygote.

Submission:

ITMI
No classification provided. Condition: AllHighlyPenetrant. Last evaluated: 2013-09-19. Review status: no classification provided. Collection method: reference population. Allele origin: germline.
Comment: Please see associated publication for description of ethnicities

Literature cited by the submitters: PubMed 24728327.